The following is an entry in ClinVar:

NM_000110.4(DPYD):c.448A>G (p.Ile150Val)

Gene: DPYD (dihydropyrimidine dehydrogenase; minus strand). Cytogenetic location: 1p21.3.
Variant type: single nucleotide variant.
Coding change: c.448A>G on transcript NM_000110.4 (MANE Select); coding-DNA position 448, A replaced by G.
Protein change: p.Ile150Val; replaces isoleucine 150 with valine.
Molecular consequence: missense variant.
Genome position (GRCh38, 1-based): chr1:97,721,545, T>C on the plus strand (A>G on the coding strand, the complement: DPYD is on the minus strand). VCF-style: chr1-97721545-T-C. GRCh37 (hg19) VCF-style: chr1-98187101-T-C.
Other names: c.448A>G, p.Ile150Val (NM_001160301.1); short protein forms I150V.
Identifiers: ClinVar variation 4617943 (VCV004617943.1).
Genomic context (GRCh38, chr1:97,721,545, plus strand): 5'-GATGTCACGTGTATATCATACATACCTCAGTAGCAAATTGCTGCAATCCACCAATATTAA[T>C]GGGTCCCTCTTCAGTGGCATATAAATTGCATCCACCTACACAAAGATCAGAGGTTGGACA-3'
Protein context (NP_000101.2, residues 140-160): CNLYATEEGP[Ile150Val]NIGGLQQFAT

ClinVar aggregate classification (germline): Uncertain significance (1 of 4 stars; one submission).

Conditions:
Inborn genetic diseases. Identifiers: MedGen C0950123, MeSH D030342.

Submission:

Ambry Genetics
Classification: Uncertain significance for Inborn genetic diseases. Last evaluated: 2025-11-22. Review status: criteria provided, single submitter. Criteria: Ambry Variant Classification Scheme 2023. Collection method: clinical testing. Allele origin: germline.
Comment: The p.I150V variant (also known as c.448A>G), located in coding exon 5 of the DPYD gene, results from an A to G substitution at nucleotide position 448. The isoleucine at codon 150 is replaced by valine, an amino acid with highly similar properties. This amino acid position is conserved. In addition, the in silico prediction for this alteration is inconclusive. Based on the available evidence, the clinical significance of this variant remains unclear.